The following is an entry in ClinVar:

ClinVar aggregate classification (germline): Uncertain significance (1 of 4 stars; one submission).

Conditions:
Cataract 1 multiple types. Also called: CATARACT, DUFFY-LINKED; CATARACT 1, MULTIPLE TYPES, WITH OR WITHOUT MICROCORNEA; CATARACT 1, NUCLEAR PROGRESSIVE; CATARACT 1 WITH MICROCORNEA; CATARACT 1, POSTERIOR SUBCAPSULAR, WITH MICROCORNEA; CATARACT 1, STELLATE NUCLEAR, WITH MICROCORNEA. Identifiers: Orphanet 1377, MedGen C1861828, MONDO:0007285, OMIM 116200.

gnomAD v4.1: 14 of 1,613,462 alleles (0.00087%); highest among the groups gnomAD compares: African/African-American, 0.0067%; no homozygotes.

Submission:

Labcorp Genetics (formerly Invitae), Labcorp
Classification: Uncertain significance for Cataract 1 multiple types. Last evaluated: 2025-12-16. Review status: criteria provided, single submitter. Criteria: Invitae Variant Classification Sherloc (09022015). Collection method: clinical testing. Allele origin: germline.
Comment: This sequence change replaces threonine, which is neutral and polar, with isoleucine, which is neutral and non-polar, at codon 401 of the GJA8 protein (p.Thr401Ile). This variant is present in population databases (rs587624672, gnomAD 0.007%). This variant has not been reported in the literature in individuals affected with GJA8-related conditions. Invitae Evidence Modeling of protein sequence and biophysical properties (such as structural, functional, and spatial information, amino acid conservation, physicochemical variation, residue mobility, and thermodynamic stability) indicates that this missense variant is not expected to disrupt GJA8 protein function with a negative predictive value of 95%. In summary, the available evidence is currently insufficient to determine the role of this variant in disease. Therefore, it has been classified as a Variant of Uncertain Significance.

NM_005267.5(GJA8):c.1202C>T (p.Thr401Ile)

Gene: GJA8 (gap junction protein alpha 8; plus strand). Cytogenetic location: 1q21.2.
Variant type: single nucleotide variant.
Coding change: c.1202C>T on transcript NM_005267.5 (MANE Select); coding-DNA position 1202, C replaced by T.
Protein change: p.Thr401Ile; replaces threonine 401 with isoleucine.
Molecular consequence: missense variant.
Genome position (GRCh38, 1-based): chr1:147,909,157, C>T. VCF-style: chr1-147909157-C-T. GRCh37 (hg19) VCF-style: chr1-147381284-C-T.
Other names: short protein forms T401I.
Identifiers: ClinVar variation 4751469 (VCV004751469.1).